The following is an entry in ClinVar:

ClinVar aggregate classification (germline): Likely benign (1 of 4 stars; one submission).

Submission:

CeGaT Center for Human Genetics Tuebingen
Classification: Likely benign. Last evaluated: 2025-08-01. Review status: criteria provided, single submitter. Criteria: CeGaT Center For Human Genetics Tuebingen Variant Classification Criteria Version 2. Collection method: clinical testing. Allele origin: germline. Affected: yes. Observed: 1 variant allele.
Comment: NF1: PM2:Supporting, BP4, BP7

NM_001042492.3(NF1):c.7168T>C (p.Leu2390=)

Gene: NF1 (neurofibromin 1; plus strand). Cytogenetic location: 17q11.2.
Variant type: single nucleotide variant.
Coding change: c.7168T>C on transcript NM_001042492.3 (MANE Select); coding-DNA position 7168, T replaced by C.
Protein change: p.Leu2390=; no amino-acid change (leucine 2390 retained).
Molecular consequence: synonymous variant.
Genome position (GRCh38, 1-based): chr17:31,343,114, T>C. VCF-style: chr17-31343114-T-C. GRCh37 (hg19) VCF-style: chr17-29670132-T-C.
Other names: c.7105T>C, p.Leu2369= (NM_000267.4).
Identifiers: ClinVar variation 4083891 (VCV004083891.8).